The following is an entry in ClinVar:

ClinVar aggregate classification (germline): Uncertain significance (1 of 4 stars; one submission).

Conditions:
Hypertrophic cardiomyopathy 1 (CMH1). Also called: MYH7-Related Familial Hypertrophic Cardiomyopathy; Familial hypertrophic cardiomyopathy 1. Identifiers: MedGen C3495498, MONDO:0008647, OMIM 192600.

Submission:

Labcorp Genetics (formerly Invitae), Labcorp
Classification: Uncertain significance for Hypertrophic cardiomyopathy 1. Last evaluated: 2018-11-06. Review status: criteria provided, single submitter. Criteria: Invitae Variant Classification Sherloc (09022015). Collection method: clinical testing. Allele origin: germline.
Comment: In summary, the available evidence is currently insufficient to determine the role of this variant in disease. Therefore, it has been classified as a Variant of Uncertain Significance. Algorithms developed to predict the effect of sequence changes on RNA splicing suggest that this variant may create or strengthen a splice site, but this prediction has not been confirmed by published transcriptional studies. Algorithms developed to predict the effect of missense changes on protein structure and function are either unavailable or do not agree on the potential impact of this missense change (SIFT: "Deleterious"; PolyPhen-2: "Probably Damaging"; Align-GVGD: "Class C0"). This variant has not been reported in the literature in individuals with MYLK2-related disease. This variant is not present in population databases (ExAC no frequency). This sequence change replaces serine with arginine at codon 151 of the MYLK2 protein (p.Ser151Arg). The serine residue is highly conserved and there is a moderate physicochemical difference between serine and arginine.

NM_033118.4(MYLK2):c.453C>G (p.Ser151Arg)

Gene: MYLK2 (myosin light chain kinase 2; plus strand). Cytogenetic location: 20q11.21.
Variant type: single nucleotide variant.
Coding change: c.453C>G on transcript NM_033118.4 (MANE Select); coding-DNA position 453, C replaced by G.
Protein change: p.Ser151Arg; replaces serine 151 with arginine.
Molecular consequence: missense variant.
Genome position (GRCh38, 1-based): chr20:31,820,526, C>G. VCF-style: chr20-31820526-C-G. GRCh37 (hg19) VCF-style: chr20-30408329-C-G.
Other names: short protein forms S151R.
Identifiers: ClinVar variation 652190 (VCV000652190.8), dbSNP rs1600407268, ClinGen allele CA408525630.